The following is an entry in ClinVar:

ClinVar aggregate classification (germline): Uncertain significance (1 of 4 stars; one submission).

Submission:

Ambry Genetics
Classification: Uncertain significance. Last evaluated: 2021-12-29. Review status: criteria provided, single submitter. Criteria: Ambry Variant Classification Scheme 2023. Collection method: clinical testing. Allele origin: germline.
Comment: The p.H108Q variant (also known as c.324T>A), located in coding exon 4 of the BUB1 gene, results from a T to A substitution at nucleotide position 324. The histidine at codon 108 is replaced by glutamine, an amino acid with highly similar properties. This amino acid position is conserved. In addition, this alteration is predicted to be tolerated by in silico analysis. Since supporting evidence is limited at this time, the clinical significance of this alteration remains unclear.

NM_004336.5(BUB1):c.324T>A (p.His108Gln)

Gene: BUB1 (BUB1 mitotic checkpoint serine/threonine kinase; minus strand). Cytogenetic location: 2q13.
Variant type: single nucleotide variant.
Coding change: c.324T>A on transcript NM_004336.5 (MANE Select); coding-DNA position 324, T replaced by A.
Protein change: p.His108Gln; replaces histidine 108 with glutamine.
Molecular consequence: missense variant.
Genome position (GRCh38, 1-based): chr2:110,672,759, A>T on the plus strand (T>A on the coding strand, the complement: BUB1 is on the minus strand). VCF-style: chr2-110672759-A-T. GRCh37 (hg19) VCF-style: chr2-111430336-A-T.
Other names: c.264T>A, p.His88Gln (NM_001278616.2); c.324T>A, p.His108Gln (NM_001278617.2); short protein forms H108Q, H88Q.
Identifiers: ClinVar variation 1729406 (VCV001729406.2), dbSNP rs755390207, ClinGen allele CA348220542.